The following is an entry in ClinVar:

NM_004260.4(RECQL4):c.2317G>C (p.Ala773Pro)

Gene: RECQL4 (RecQ like helicase 4; minus strand). Cytogenetic location: 8q24.3.
Variant type: single nucleotide variant.
Coding change: c.2317G>C on transcript NM_004260.4 (MANE Select); coding-DNA position 2317, G replaced by C.
Protein change: p.Ala773Pro; replaces alanine 773 with proline.
Molecular consequence: missense variant. On other transcripts: non-coding transcript variant (3), intron variant (3).
Genome position (GRCh38, 1-based): chr8:144,513,364, C>G on the plus strand (G>C on the coding strand, the complement: RECQL4 is on the minus strand). VCF-style: chr8-144513364-C-G. GRCh37 (hg19) VCF-style: chr8-145738747-C-G.
Other names: c.2317G>C, p.Ala773Pro (NM_001413019.1, NM_001413036.1); c.2221G>C, p.Ala741Pro (NM_001413020.1); c.1246G>C, p.Ala416Pro (NM_001413021.1, NM_001413022.1, NM_001413023.1 and 5 more transcripts); c.2188G>C, p.Ala730Pro (NM_001413025.1); c.1180G>C, p.Ala394Pro (NM_001413027.1, NM_001413030.1, NM_001413032.1 and 1 more transcripts); c.1966G>C, p.Ala656Pro (NM_001413029.1); c.1048G>C, p.Ala350Pro (NM_001413031.1); c.2185G>C, p.Ala729Pro (NM_001413033.1); and 7 more; short protein forms A372P, A416P, A656P, A730P, A741P, A284P, A394P, A763P.
Identifiers: ClinVar variation 2836193 (VCV002836193.3), dbSNP rs1385567680, ClinGen allele CA372678362.

ClinVar aggregate classification (germline): Uncertain significance (1 of 4 stars; one submission).

Conditions:
Baller-Gerold syndrome (BGS). Also called: CRANIOSYNOSTOSIS WITH RADIAL DEFECTS. Identifiers: Orphanet 1225, MedGen C0265308, MONDO:0009039, OMIM 218600.

Submission:

Labcorp Genetics (formerly Invitae), Labcorp
Classification: Uncertain significance for Baller-Gerold syndrome. Last evaluated: 2023-02-11. Review status: criteria provided, single submitter. Criteria: Invitae Variant Classification Sherloc (09022015). Collection method: clinical testing. Allele origin: germline.
Comment: This sequence change replaces alanine, which is neutral and non-polar, with proline, which is neutral and non-polar, at codon 773 of the RECQL4 protein (p.Ala773Pro). This variant is not present in population databases (gnomAD no frequency). This variant has not been reported in the literature in individuals affected with RECQL4-related conditions. Advanced modeling of protein sequence and biophysical properties (such as structural, functional, and spatial information, amino acid conservation, physicochemical variation, residue mobility, and thermodynamic stability) performed at Invitae indicates that this missense variant is expected to disrupt RECQL4 protein function. In summary, the available evidence is currently insufficient to determine the role of this variant in disease. Therefore, it has been classified as a Variant of Uncertain Significance.